The following is an entry in ClinVar:

ClinVar aggregate classification (germline): Uncertain significance (1 of 4 stars; one submission).

Conditions:
ITGB4-related disorder. Also called: ITGB4-related condition.

gnomAD v4.1: 1 of 1,614,190 alleles (0.000062%); highest among the groups gnomAD compares: Admixed American, 0.0017%; no homozygotes.

Submission:

PreventionGenetics, part of Exact Sciences
Classification: Uncertain significance for ITGB4-related condition. Last evaluated: 2025-03-26. Review status: criteria provided, single submitter. Criteria: ACMG Guidelines, 2015. Collection method: clinical testing. Allele origin: germline.
Comment: The ITGB4 c.691G>A variant is predicted to result in the amino acid substitution p.Ala231Thr. To our knowledge, this variant has not been reported in the literature or in a large population database (gnomAD), indicating this variant is rare. At this time, the clinical significance of this variant is uncertain due to the absence of conclusive functional and genetic evidence.

NM_000213.5(ITGB4):c.691G>A (p.Ala231Thr)

Gene: ITGB4 (integrin subunit beta 4; plus strand). Cytogenetic location: 17q25.1.
Variant type: single nucleotide variant.
Coding change: c.691G>A on transcript NM_000213.5 (MANE Select); coding-DNA position 691, G replaced by A.
Protein change: p.Ala231Thr; replaces alanine 231 with threonine.
Molecular consequence: missense variant.
Genome position (GRCh38, 1-based): chr17:75,729,389, G>A. VCF-style: chr17-75729389-G-A. GRCh37 (hg19) VCF-style: chr17-73725470-G-A.
Other names: c.691G>A, p.Ala231Thr (NM_001005619.2, NM_001005731.3, NM_001321123.2 and 1 more transcripts); short protein forms A231T.
Identifiers: ClinVar variation 4982973 (VCV004982973.1).